The following is an entry in ClinVar:

ClinVar aggregate classification (germline): Uncertain significance. Review status: criteria provided, multiple submitters, no conflicts (2 of 4 stars). 4 submissions from 4 submitters: Uncertain significance (4). Last evaluated 2025-11-11.

Conditions:
Cardiovascular phenotype. Identifiers: MedGen CN230736.

Submissions (4):

Women's Health and Genetics/Laboratory Corporation of America, LabCorp
Classification: Uncertain significance. Last evaluated: 2025-11-11. Review status: criteria provided, single submitter. Criteria: LabCorp Variant Classification Summary - May 2015. Collection method: clinical testing. Allele origin: germline.
Comment: Variant summary: TNXB c.9013G>A (p.Val3005Met) results in a conservative amino acid change in the encoded protein sequence. Algorithms developed to predict the effect of missense changes on protein structure and function all suggest that this variant is likely to be tolerated. The variant allele was found at a frequency of 8.1e-06 in 246278 control chromosomes. The available data on variant occurrences in the general population are insufficient to allow any conclusion about variant significance. To our knowledge, no occurrence of c.9013G>A in individuals affected with TNXB-related conditions and no experimental evidence demonstrating its impact on protein function have been reported. ClinVar contains an entry for this variant (Variation ID: 3337679). Based on the evidence outlined above, the variant was classified as uncertain significance.

Ambry Genetics
Classification: Uncertain significance for Cardiovascular phenotype. Last evaluated: 2025-01-21. Review status: criteria provided, single submitter. Criteria: Ambry Variant Classification Scheme 2023. Collection method: clinical testing. Allele origin: germline.
Comment: The p.V3005M variant (also known as c.9013G>A), located in coding exon 25 of the TNXB gene, results from a G to A substitution at nucleotide position 9013. The valine at codon 3005 is replaced by methionine, an amino acid with highly similar properties. This amino acid position is conserved. In addition, this alteration is predicted to be tolerated by in silico analysis. Based on the available evidence, the clinical significance of this variant remains unclear.

Mayo Clinic Laboratories, Mayo Clinic
Classification: Uncertain significance. Last evaluated: 2025-01-12. Review status: criteria provided, single submitter. Criteria: ACMG Guidelines, 2015. Collection method: clinical testing. Allele origin: germline. Observed: 1 variant allele.
Comment: BP4, PM2_supporting

Clinical Genetics Laboratory, Skane University Hospital Lund
Classification: Uncertain significance. Last evaluated: 2022-05-27. Review status: criteria provided, single submitter. Criteria: ACMG Guidelines, 2015. Collection method: clinical testing. Allele origin: germline. Affected: yes.

NM_001365276.2(TNXB):c.9019G>A (p.Val3007Met)

Gene: TNXB (tenascin XB; minus strand). Cytogenetic location: 6p21.33.
Variant type: single nucleotide variant.
Coding change: c.9019G>A on transcript NM_001365276.2 (MANE Select); coding-DNA position 9019, G replaced by A.
Protein change: p.Val3007Met; replaces valine 3007 with methionine.
Molecular consequence: missense variant.
Genome position (GRCh38, 1-based): chr6:32,052,766, C>T on the plus strand (G>A on the coding strand, the complement: TNXB is on the minus strand). VCF-style: chr6-32052766-C-T. GRCh37 (hg19) VCF-style: chr6-32020543-C-T.
Other names: p.Val3005Met; c.9013G>A, p.Val3005Met (NM_019105.8); c.9013G>A (NM_019105.6); short protein forms V3005M, V3007M.
Identifiers: ClinVar variation 3337679 (VCV003337679.4).
Genomic context (GRCh38, chr6:32,052,766, plus strand): 5'-GCCCCTCGTGGAGGCCGTACAGGTGCATCTTGTATTTGCACCCGGGCTCCAGGCCCCCCA[C>T]GGTGACCTCGCTCTCCTCGCCCCTGACACGCACCACCTGGGGCCGCCCGTCCCTGTCCTT-3'
Protein context (NP_001352205.1, residues 2997-3017): RVRGEESEVT[Val3007Met]GGLEPGCKYK